The following is an entry in ClinVar:

NM_178565.5(RSPO2):c.283A>G (p.Arg95Gly)

Gene: RSPO2 (R-spondin 2; minus strand). Cytogenetic location: 8q23.1.
Variant type: single nucleotide variant.
Coding change: c.283A>G on transcript NM_178565.5 (MANE Select); coding-DNA position 283, A replaced by G.
Protein change: p.Arg95Gly; replaces arginine 95 with glycine.
Molecular consequence: missense variant. On other transcripts: intron variant (1).
Genome position (GRCh38, 1-based): chr8:107,989,056, T>C on the plus strand (A>G on the coding strand, the complement: RSPO2 is on the minus strand). VCF-style: chr8-107989056-T-C. GRCh37 (hg19) VCF-style: chr8-109001284-T-C.
Other names: c.82A>G, p.Arg28Gly (NM_001317942.2); c.95-28239A>G (NM_001282863.2); short protein forms R95G, R28G.
Identifiers: ClinVar variation 2077502 (VCV002077502.1), dbSNP rs962970462, ClinGen allele CA183532618.

ClinVar aggregate classification (germline): Uncertain significance (1 of 4 stars; one submission).

Allele frequency attached by ClinVar (database versions not stated): gnomAD exomes 0.00004; gnomAD 0.00017; TOPMed 0.00018.
gnomAD v4.1: 50 of 1,598,664 alleles (0.0031%); highest among the groups gnomAD compares: Admixed American, 0.082%; no homozygotes.

Submission:

Labcorp Genetics (formerly Invitae), Labcorp
Classification: Uncertain significance. Last evaluated: 2022-04-30. Review status: criteria provided, single submitter. Criteria: Invitae Variant Classification Sherloc (09022015). Collection method: clinical testing. Allele origin: germline.
Comment: This sequence change replaces arginine, which is basic and polar, with glycine, which is neutral and non-polar, at codon 95 of the RSPO2 protein (p.Arg95Gly). This variant is present in population databases (no rsID available, gnomAD 0.05%). This variant has not been reported in the literature in individuals affected with RSPO2-related conditions. Algorithms developed to predict the effect of missense changes on protein structure and function (SIFT, PolyPhen-2, Align-GVGD) all suggest that this variant is likely to be disruptive. In summary, the available evidence is currently insufficient to determine the role of this variant in disease. Therefore, it has been classified as a Variant of Uncertain Significance.